The following is an entry in ClinVar:

NM_018006.5(TRMU):c.296_297del (p.Ile99fs)

Gene: TRMU (tRNA mitochondrial 2-thiouridylase; plus strand). Cytogenetic location: 22q13.31.
Variant type: Deletion.
Coding change: c.296_297del on transcript NM_018006.5 (MANE Select); coding-DNA positions 296 to 297, 2 bases deleted (TA; older notation c.296_297delTA).
Protein change: p.Ile99fs; shifts the reading frame from isoleucine 99.
Molecular consequence: frameshift variant. On other transcripts: non-coding transcript variant (1), intron variant (3).
Genome position (GRCh38, 1-based): chr22:46,343,309-46,343,310, TA deleted; deleting any 2 consecutive bases within chr22:46,343,308-46,343,310 gives the same sequence; the c. name uses the placement nearest the transcript's 3' end. VCF-style (leftmost placement, unchanged base first): chr22-46343307-CAT-C. GRCh37 (hg19) VCF-style: chr22-46739204-CAT-C.
Other names: c.296_297del, p.Ile99fs (NM_001282785.2); c.14-3113_14-3112del (NM_001282782.2); c.-6-3113_-6-3112del (NM_001282783.2, NM_001282784.2); short protein forms I99fs.
Identifiers: ClinVar variation 5014373 (VCV005014373.1).

ClinVar aggregate classification (germline): Pathogenic (1 of 4 stars; one submission).

Conditions:
Acute infantile liver failure due to synthesis defect of mtDNA-encoded proteins. Also called: Liver failure acute infantile; LIVER FAILURE, INFANTILE, TRANSIENT; TRMU Deficiency. Identifiers: Orphanet 217371, MedGen C3278664, MONDO:0013111, OMIM 613070.

Submission:

Myriad Genetics, Inc.
Classification: Pathogenic for Acute infantile liver failure due to synthesis defect of mtDNA-encoded proteins. Last evaluated: 2024-05-14. Review status: criteria provided, single submitter. Criteria: Myriad Autosomal Dominant, Autosomal Recessive and X-Linked Classification Criteria (2023). Collection method: clinical testing. Allele origin: unknown.
Comment: NM_018006.4(TRMU):c.296_297delTA(I99Sfs*9) is expected to be pathogenic in the context of acute liver failure, TRMU-related. This variant is predicted to lead to an abnormal or absent protein product due to the creation of a premature termination codon in TRMU, a gene where loss-of-function variants are known to be pathogenic. Please note: this variant was assessed in the context of healthy population screening.